The following is an entry in ClinVar:

ClinVar aggregate classification (germline): Likely pathogenic (1 of 4 stars; one submission).

Conditions:
Cystic fibrosis (CF). Also called: MUCOVISCIDOSIS. Identifiers: Orphanet 586, MedGen C0010674, MONDO:0009061, OMIM 219700. Disease mechanism: loss of function.

Submission:

Myriad Genetics, Inc.
Classification: Likely pathogenic for Cystic fibrosis. Last evaluated: 2022-03-14. Review status: criteria provided, single submitter. Criteria: Myriad Women's Health Autosomal Recessive and X-Linked Classification Criteria (2021). Collection method: clinical testing. Allele origin: unknown.
Comment: NM_000492.3(CFTR):c.2241delG(I748Yfs*7) is expected to be pathogenic in the context of cystic fibrosis. This variant is predicted to lead to an abnormal or absent protein product due to the creation of a premature termination codon in CFTR, a gene where loss-of-function variants are known to be pathogenic. Please note: this variant was assessed in the context of healthy population screening.

NM_000492.4(CFTR):c.2241del (p.Ile748fs)

Gene: CFTR (CF transmembrane conductance regulator; plus strand). Cytogenetic location: 7q31.2.
Variant type: Deletion.
Coding change: c.2241del on transcript NM_000492.4 (MANE Select); coding-DNA position 2241, one base deleted (G; older notation c.2241delG).
Protein change: p.Ile748fs; shifts the reading frame from isoleucine 748.
Molecular consequence: frameshift variant.
Genome position (GRCh38, 1-based): chr7:117,592,408, G deleted. VCF-style (leftmost placement, unchanged base first): chr7-117592407-CG-C. GRCh37 (hg19) VCF-style: chr7-117232461-CG-C.
Other names: short protein forms I748fs.
Identifiers: ClinVar variation 1725208 (VCV001725208.2), dbSNP rs2485110332, ClinGen allele CA2580076537.